The following is an entry in ClinVar:

ClinVar aggregate classification (germline): Uncertain significance. Review status: criteria provided, multiple submitters, no conflicts (2 of 4 stars). 2 submissions from 2 submitters: Uncertain significance (2). Last evaluated 2025-02-09.

Conditions:
Hereditary cancer-predisposing syndrome. Also called: Neoplastic Syndromes, Hereditary; Hereditary Cancer Syndrome; Hereditary neoplastic syndrome; Tumor predisposition. Identifiers: Orphanet 140162, MedGen C0027672, MeSH D009386, MONDO:0015356.
Gorlin syndrome. Also called: Nevoid Basal Cell Carcinoma Syndrome; Basal cell nevus syndrome. Identifiers: Orphanet 377, MedGen C0004779, MONDO:0007187.

Allele frequency attached by ClinVar (database versions not stated): TOPMed below 0.00001.
gnomAD v4.1: 1 of 1,613,714 alleles (0.000062%); no homozygotes.

Submissions (2):

Labcorp Genetics (formerly Invitae), Labcorp
Classification: Uncertain significance for Gorlin syndrome. Last evaluated: 2025-02-09. Review status: criteria provided, single submitter. Criteria: Invitae Variant Classification Sherloc (09022015). Collection method: clinical testing. Allele origin: germline.
Comment: This sequence change replaces leucine, which is neutral and non-polar, with serine, which is neutral and polar, at codon 262 of the PTCH1 protein (p.Leu262Ser). This variant is not present in population databases (gnomAD no frequency). This variant has not been reported in the literature in individuals affected with PTCH1-related conditions. ClinVar contains an entry for this variant (Variation ID: 827294). Invitae Evidence Modeling of protein sequence and biophysical properties (such as structural, functional, and spatial information, amino acid conservation, physicochemical variation, residue mobility, and thermodynamic stability) indicates that this missense variant is not expected to disrupt PTCH1 protein function with a negative predictive value of 95%. In summary, the available evidence is currently insufficient to determine the role of this variant in disease. Therefore, it has been classified as a Variant of Uncertain Significance.

Ambry Genetics
Classification: Uncertain significance for Hereditary cancer-predisposing syndrome. Last evaluated: 2023-02-10. Review status: criteria provided, single submitter. Criteria: Ambry Variant Classification Scheme 2023. Collection method: clinical testing. Allele origin: germline.
Comment: The p.L262S variant (also known as c.785T>C), located in coding exon 6 of the PTCH1 gene, results from a T to C substitution at nucleotide position 785. The leucine at codon 262 is replaced by serine, an amino acid with dissimilar properties. This amino acid position is well conserved in available vertebrate species. In addition, the in silico prediction for this alteration is inconclusive. Since supporting evidence is limited at this time, the clinical significance of this alteration remains unclear.

NM_000264.5(PTCH1):c.785T>C (p.Leu262Ser)

Gene: PTCH1 (patched 1; minus strand). Cytogenetic location: 9q22.32.
Variant type: single nucleotide variant.
Coding change: c.785T>C on transcript NM_000264.5 (MANE Select); coding-DNA position 785, T replaced by C.
Protein change: p.Leu262Ser; replaces leucine 262 with serine.
Molecular consequence: missense variant. On other transcripts: non-coding transcript variant (1).
Genome position (GRCh38, 1-based): chr9:95,480,550, A>G on the plus strand (T>C on the coding strand, the complement: PTCH1 is on the minus strand). VCF-style: chr9-95480550-A-G. GRCh37 (hg19) VCF-style: chr9-98242832-A-G.
Other names: c.587T>C, p.Leu196Ser (NM_001083602.3); c.782T>C, p.Leu261Ser (NM_001083603.3); c.332T>C, p.Leu111Ser (NM_001083604.3, NM_001083605.3, NM_001083606.3 and 1 more transcripts); c.785T>C, p.Leu262Ser (NM_001354918.2); short protein forms L111S, L196S, L261S, L262S.
Identifiers: ClinVar variation 827294 (VCV000827294.12), dbSNP rs1318134628, ClinGen allele CA374114410.